The following is an entry in ClinVar:

NM_000557.5(GDF5):c.1112A>G (p.Glu371Gly)

Genes: GDF5 (growth differentiation factor 5; minus strand), GDF5-AS1 (GDF5 antisense RNA 1; plus strand). Cytogenetic location: 20q11.22.
Variant type: single nucleotide variant.
Coding change: c.1112A>G on transcript NM_000557.5 (MANE Select); coding-DNA position 1112, A replaced by G.
Protein change: p.Glu371Gly; replaces glutamic acid 371 with glycine.
Molecular consequence: missense variant. On other transcripts: non-coding transcript variant (1).
Genome position (GRCh38, 1-based): chr20:35,434,303, T>C on the plus strand (A>G on the coding strand, the complement: GDF5 is on the minus strand). VCF-style: chr20-35434303-T-C. GRCh37 (hg19) VCF-style: chr20-34022101-T-C.
Other names: c.1112A>G, p.Glu371Gly (NM_001319138.2); short protein forms E371G.
Identifiers: ClinVar variation 2061885 (VCV002061885.4), dbSNP rs2515419213, ClinGen allele CA408739936.

ClinVar aggregate classification (germline): Uncertain significance (1 of 4 stars; one submission).

Allele frequency attached by ClinVar (database versions not stated): gnomAD exomes below 0.00001.
gnomAD v4.1: 1 of 1,614,106 alleles (0.000062%); highest among the groups gnomAD compares: Non-Finnish European, 0.000085%; no homozygotes.

Submission:

Labcorp Genetics (formerly Invitae), Labcorp
Classification: Uncertain significance. Last evaluated: 2021-12-27. Review status: criteria provided, single submitter. Criteria: Invitae Variant Classification Sherloc (09022015). Collection method: clinical testing. Allele origin: germline.
Comment: This variant is not present in population databases (gnomAD no frequency). This sequence change replaces glutamic acid, which is acidic and polar, with glycine, which is neutral and non-polar, at codon 371 of the GDF5 protein (p.Glu371Gly). This variant has not been reported in the literature in individuals affected with GDF5-related conditions. In summary, the available evidence is currently insufficient to determine the role of this variant in disease. Therefore, it has been classified as a Variant of Uncertain Significance. Algorithms developed to predict the effect of missense changes on protein structure and function are either unavailable or do not agree on the potential impact of this missense change (SIFT: "Deleterious"; PolyPhen-2: "Benign"; Align-GVGD: "Class C0").